The following is an entry in ClinVar:

ClinVar aggregate classification (germline): Pathogenic (1 of 4 stars; one submission).

Conditions:
Hereditary cancer-predisposing syndrome. Also called: Neoplastic Syndromes, Hereditary; Tumor predisposition; Hereditary Cancer Syndrome; Hereditary neoplastic syndrome. Identifiers: Orphanet 140162, MedGen C0027672, MeSH D009386, MONDO:0015356.

Submission:

Ambry Genetics
Classification: Pathogenic for Hereditary cancer-predisposing syndrome. Last evaluated: 2021-02-08. Review status: criteria provided, single submitter. Criteria: Ambry Variant Classification Scheme 2023. Collection method: clinical testing. Allele origin: germline.
Comment: The c.213_216delTAAA pathogenic mutation, located in coding exon 2 of the RAD51C gene, results from a deletion of 4 nucleotides at nucleotide positions 213 to 216, causing a translational frameshift with a predicted alternate stop codon (p.K72Qfs*28). This alteration is expected to result in loss of function by premature protein truncation or nonsense-mediated mRNA decay. As such, this alteration is interpreted as a disease-causing mutation.

NM_058216.3(RAD51C):c.213_216del (p.Lys72fs)

Gene: RAD51C (RAD51 paralog C; plus strand). Cytogenetic location: 17q22.
Variant type: Deletion.
Coding change: c.213_216del on transcript NM_058216.3 (MANE Select); coding-DNA positions 213 to 216, 4 bases deleted (TAAA; older notation c.213_216delTAAA).
Protein change: p.Lys72fs; shifts the reading frame from lysine 72.
Molecular consequence: frameshift variant. On other transcripts: non-coding transcript variant (2).
Genome position (GRCh38, 1-based): chr17:58,694,998-58,695,001, TAAA deleted; deleting any 4 consecutive bases within chr17:58,694,995-58,695,001 gives the same sequence; the c. name uses the placement nearest the transcript's 3' end. VCF-style (leftmost placement, unchanged base first): chr17-58694994-CAAAT-C. GRCh37 (hg19) VCF-style: chr17-56772355-CAAAT-C.
Other names: c.213_216del, p.Lys72fs (NM_002876.4); c.213_216delTAAA, p.Lys72Glnfs (NM_058217.1); short protein forms K72fs.
Identifiers: ClinVar variation 1786383 (VCV001786383.2), dbSNP rs2509273847, ClinGen allele CA2580094354.